The following is an entry in ClinVar:

ClinVar aggregate classification (germline): Uncertain significance. Review status: criteria provided, multiple submitters, no conflicts (2 of 4 stars). 5 submissions from 5 submitters: Uncertain significance (5). Last evaluated 2025-08-01.

Conditions:
Intellectual disability, autosomal dominant 16 (CSS4). Also called: COFFIN-SIRIS SYNDROME 4. Identifiers: Orphanet 1465, MedGen C3553249, MONDO:0013821, OMIM 614609.
Hereditary cancer-predisposing syndrome. Also called: Hereditary neoplastic syndrome; Neoplastic Syndromes, Hereditary; Hereditary Cancer Syndrome; Tumor predisposition. Identifiers: Orphanet 140162, MedGen C0027672, MeSH D009386, MONDO:0015356.
Rhabdoid tumor predisposition syndrome 2 (RTPS2). Identifiers: Orphanet 231108, Orphanet 69077, MedGen C2750074, MONDO:0013224, OMIM 613325.

Allele frequency attached by ClinVar (database versions not stated): gnomAD exomes below 0.00001 and 0.00001; TOPMed below 0.00001; gnomAD 0.00001; ExAC 0.00002.
gnomAD v4.1: 8 of 1,609,302 alleles (0.0005%); highest among the groups gnomAD compares: South Asian, 0.0044%; no homozygotes.

Submissions (5):

CeGaT Center for Human Genetics Tuebingen
Classification: Uncertain significance. Last evaluated: 2025-08-01. Review status: criteria provided, single submitter. Criteria: CeGaT Center For Human Genetics Tuebingen Variant Classification Criteria Version 2. Collection method: clinical testing. Allele origin: germline. Affected: yes. Observed: 1 variant allele.
Comment: SMARCA4: PM2, PP3

Labcorp Genetics (formerly Invitae), Labcorp
Classification: Uncertain significance for Rhabdoid tumor predisposition syndrome 2. Last evaluated: 2024-04-24. Review status: criteria provided, single submitter. Criteria: Invitae Variant Classification Sherloc (09022015). Collection method: clinical testing. Allele origin: germline.
Comment: This sequence change replaces glycine, which is neutral and non-polar, with alanine, which is neutral and non-polar, at codon 254 of the SMARCA4 protein (p.Gly254Ala). This variant is present in population databases (rs767708564, gnomAD 0.006%). This variant has not been reported in the literature in individuals affected with SMARCA4-related conditions. ClinVar contains an entry for this variant (Variation ID: 486467). An algorithm developed to predict the effect of missense changes on protein structure and function (PolyPhen-2) suggests that this variant is likely to be disruptive. RNA analysis performed to evaluate the impact of this missense change on mRNA splicing indicates it does not significantly alter splicing (Invitae). In summary, the available evidence is currently insufficient to determine the role of this variant in disease. Therefore, it has been classified as a Variant of Uncertain Significance.

Ambry Genetics
Classification: Uncertain significance for Hereditary cancer-predisposing syndrome. Last evaluated: 2024-01-26. Review status: criteria provided, single submitter. Criteria: Ambry Variant Classification Scheme 2023. Collection method: clinical testing. Allele origin: germline.
Comment: The p.G254A variant (also known as c.761G>C) is located in coding exon 4 of the SMARCA4 gene. The glycine at codon 254 is replaced by alanine, an amino acid with similar properties. This change occurs in the first base pair of coding exon 4. This variant has been detected in multiple individuals with no reported features of SMARCA4-associated Coffin-Siris syndrome (Ambry internal data). This amino acid position is highly conserved in available vertebrate species. In addition, the in silico prediction for this alteration is inconclusive. Based on the supporting evidence, the association of this alteration with rhabdoid tumor predisposition syndrome is unknown; however, the association of this alteration with Coffin-Siris syndrome is unlikely.

GeneDx
Classification: Uncertain significance. Last evaluated: 2023-12-04. Review status: criteria provided, single submitter. Criteria: GeneDx Variant Classification Process June 2021. Collection method: clinical testing. Allele origin: germline. Affected: yes.
Comment: In silico analysis supports that this missense variant does not alter protein structure/function; Has not been previously published as pathogenic or benign to our knowledge

Genome-Nilou Lab
Classification: Uncertain significance for Intellectual disability, autosomal dominant 16. Last evaluated: 2021-07-15. Review status: criteria provided, single submitter. Criteria: ACMG Guidelines, 2015. Collection method: clinical testing. Allele origin: germline. Affected: no.

NM_003072.5(SMARCA4):c.761G>C (p.Gly254Ala)

Gene: SMARCA4 (SWI/SNF related BAF chromatin remodeling complex subunit ATPase 4; plus strand). Cytogenetic location: 19p13.2.
Variant type: single nucleotide variant.
Coding change: c.761G>C on transcript NM_003072.5 (MANE Select); coding-DNA position 761, G replaced by C.
Protein change: p.Gly254Ala; replaces glycine 254 with alanine.
Molecular consequence: missense variant. On other transcripts: non-coding transcript variant (1).
Genome position (GRCh38, 1-based): chr19:10,986,905, G>C. VCF-style: chr19-10986905-G-C. GRCh37 (hg19) VCF-style: chr19-11097581-G-C.
Other names: c.761G>C, p.Gly254Ala (NM_001128844.3, NM_001128845.2, NM_001128846.2 and 5 more transcripts); short protein forms G254A.
Identifiers: ClinVar variation 486467 (VCV000486467.24), dbSNP rs767708564, ClinGen allele CA9203573.